The following is an entry in ClinVar:

NM_003060.4(SLC22A5):c.95del (p.Asn32fs)

Gene: SLC22A5 (solute carrier family 22 member 5; plus strand). Cytogenetic location: 5q31.1.
Variant type: Deletion.
Coding change: c.95del on transcript NM_003060.4 (MANE Select); coding-DNA position 95, one base deleted (A; older notation c.95delA).
Protein change: p.Asn32fs; shifts the reading frame from asparagine 32.
Molecular consequence: frameshift variant.
Genome position (GRCh38, 1-based): chr5:132,370,067, A deleted; the last of 2 consecutive A bases (chr5:132,370,066-132,370,067); deleting either gives the same sequence. VCF-style (leftmost placement, unchanged base first): chr5-132370065-CA-C. GRCh37 (hg19) VCF-style: chr5-131705757-CA-C.
Other names: c.95del, p.Asn32fs (NM_001308122.2); short protein forms N32fs.
Identifiers: ClinVar variation 2822526 (VCV002822526.3), dbSNP rs2532088290, ClinGen allele CA2739275025.

ClinVar aggregate classification (germline): Pathogenic (1 of 4 stars; one submission).

Conditions:
Renal carnitine transport defect (CDSP). Also called: CARNITINE DEFICIENCY, SYSTEMIC, DUE TO DEFECT IN RENAL REABSORPTION OF CARNITINE; CARNITINE TRANSPORTER, PLASMA-MEMBRANE, DEFICIENCY OF; CARNITINE UPTAKE DEFECT; Primary carnitine deficiency; Systemic primary carnitine deficiency; Systemic primary carnitine deficiency disease. Identifiers: Orphanet 158, MedGen C0342788, MONDO:0008919, OMIM 212140.

Submission:

Labcorp Genetics (formerly Invitae), Labcorp
Classification: Pathogenic for Renal carnitine transport defect. Last evaluated: 2022-12-20. Review status: criteria provided, single submitter. Criteria: Invitae Variant Classification Sherloc (09022015). Collection method: clinical testing. Allele origin: germline.
Comment: This sequence change creates a premature translational stop signal (p.Asn32Metfs*11) in the SLC22A5 gene. It is expected to result in an absent or disrupted protein product. Loss-of-function variants in SLC22A5 are known to be pathogenic (PMID: 9916797). This variant is not present in population databases (gnomAD no frequency). This variant has not been reported in the literature in individuals affected with SLC22A5-related conditions. For these reasons, this variant has been classified as Pathogenic.

Literature cited by the submitters: PubMed 9916797.